The following is an entry in ClinVar:

NM_001369268.1(ACAN):c.3066C>T (p.Thr1022=)

Gene: ACAN (aggrecan; plus strand). Cytogenetic location: 15q26.1.
Variant type: single nucleotide variant.
Coding change: c.3066C>T on transcript NM_001369268.1 (MANE Select); coding-DNA position 3066, C replaced by T.
Protein change: p.Thr1022=; no amino-acid change (threonine 1022 retained).
Molecular consequence: synonymous variant.
Genome position (GRCh38, 1-based): chr15:88,855,651, C>T. VCF-style: chr15-88855651-C-T. GRCh37 (hg19) VCF-style: chr15-89398882-C-T.
Other names: c.3066C>T, p.Thr1022= (NM_001135.4, NM_001411096.1, NM_001411097.1 and 1 more transcripts).
Identifiers: ClinVar variation 4853121 (VCV004853121.1).

ClinVar aggregate classification (germline): Benign (1 of 4 stars; one submission).

Submission:

Women's Health and Genetics/Laboratory Corporation of America, LabCorp
Classification: Benign. Last evaluated: 2026-05-13. Review status: criteria provided, single submitter. Criteria: LabCorp Variant Classification Summary - May 2015. Collection method: clinical testing. Allele origin: germline.
Comment: Variant summary: ACAN c.3066C>T results in a synonymous change. The variant allele was found at a frequency of 0.0041 in 5800 control chromosomes in the gnomAD database, including 4 homozygotes. The observed variant frequency exceeds the estimated maximal expected allele frequency for disease-causing variants in ACAN. No submitters have cited clinical-significance assessments for this variant to ClinVar. Based on the evidence outlined above, the variant was classified as benign.